The following is an entry in ClinVar:

ClinVar aggregate classification (germline): Likely benign (1 of 4 stars; one submission).

Submission:

CeGaT Center for Human Genetics Tuebingen
Classification: Likely benign. Last evaluated: 2024-11-01. Review status: criteria provided, single submitter. Criteria: CeGaT Center For Human Genetics Tuebingen Variant Classification Criteria Version 2. Collection method: clinical testing. Allele origin: germline. Affected: yes. Observed: 1 variant allele.
Comment: PROKR2: BP4, BP7

NM_144773.4(PROKR2):c.510C>T (p.Ala170=)

Gene: PROKR2 (prokineticin receptor 2; minus strand). Cytogenetic location: 20p12.3.
Variant type: single nucleotide variant.
Coding change: c.510C>T on transcript NM_144773.4 (MANE Select); coding-DNA position 510, C replaced by T.
Protein change: p.Ala170=; no amino-acid change (alanine 170 retained).
Molecular consequence: synonymous variant.
Genome position (GRCh38, 1-based): chr20:5,302,685, G>A on the plus strand (C>T on the coding strand, the complement: PROKR2 is on the minus strand). VCF-style: chr20-5302685-G-A. GRCh37 (hg19) VCF-style: chr20-5283331-G-A.
Identifiers: ClinVar variation 3389024 (VCV003389024.14).